The following is an entry in ClinVar:

NM_147127.5(EVC2):c.2533G>T (p.Glu845Ter)

Gene: EVC2 (EvC ciliary complex subunit 2; minus strand). Cytogenetic location: 4p16.2.
Variant type: single nucleotide variant.
Coding change: c.2533G>T on transcript NM_147127.5 (MANE Select); coding-DNA position 2533, G replaced by T.
Protein change: p.Glu845Ter; replaces glutamic acid 845 with a stop codon.
Molecular consequence: nonsense.
Genome position (GRCh38, 1-based): chr4:5,618,651, C>A on the plus strand (G>T on the coding strand, the complement: EVC2 is on the minus strand). VCF-style: chr4-5618651-C-A. GRCh37 (hg19) VCF-style: chr4-5620378-C-A.
Other names: c.2293G>T, p.Glu765Ter (NM_001166136.2); short protein forms E765*, E845*.
Identifiers: ClinVar variation 2935388 (VCV002935388.3), dbSNP rs576455064, ClinGen allele CA2834675.

ClinVar aggregate classification (germline): Pathogenic (1 of 4 stars; one submission).

Conditions:
Curry-Hall syndrome (WAD). Also called: WEYERS ACRODENTAL DYSOSTOSIS. Identifiers: Orphanet 952, MedGen C0457013, MONDO:0008673, OMIM 193530.
Ellis-van Creveld syndrome (EVC). Also called: EVC-Related Ellis-van Creveld Syndrome; EVC2-Related Ellis-van Creveld Syndrome; MESOECTODERMAL DYSPLASIA; Chondroectodermal dysplasia. Identifiers: Orphanet 289, MedGen C0013903, MONDO:0009162, OMIM 225500.

Allele frequency attached by ClinVar (database versions not stated): gnomAD exomes 0.00001; ExAC 0.00007.

Submission:

Labcorp Genetics (formerly Invitae), Labcorp
Classification: Pathogenic for Curry-Hall syndrome; Ellis-van Creveld syndrome. Last evaluated: 2023-09-20. Review status: criteria provided, single submitter. Criteria: Invitae Variant Classification Sherloc (09022015). Collection method: clinical testing. Allele origin: germline.
Comment: This sequence change creates a premature translational stop signal (p.Glu845*) in the EVC2 gene. It is expected to result in an absent or disrupted protein product. Loss-of-function variants in EVC2 are known to be pathogenic (PMID: 17024374, 19810119, 19876929). The frequency data for this variant in the population databases is considered unreliable, as metrics indicate poor data quality at this position in the gnomAD database. This variant has not been reported in the literature in individuals affected with EVC2-related conditions. For these reasons, this variant has been classified as Pathogenic.

Literature cited by the submitters: PubMed 17024374; PubMed 19810119; PubMed 19876929.